The following is an entry in ClinVar:

ClinVar aggregate classification (germline): Uncertain significance. Review status: criteria provided, multiple submitters, no conflicts (2 of 4 stars). 3 submissions from 3 submitters: Uncertain significance (3). Last evaluated 2025-06-16.

Conditions:
Spinocerebellar ataxia, autosomal recessive, with axonal neuropathy 2 (SCAN2). Also called: ATAXIA-OCULOMOTOR APRAXIA 2; Ataxia-ocular apraxia-2; Ataxia with Oculomotor Apraxia Type 2; Ataxia with Oculomotor Apraxia. Identifiers: Orphanet 64753, MedGen C1853761, MONDO:0018996, OMIM 606002.
Amyotrophic lateral sclerosis type 4 (ALS4). Also called: AMYOTROPHIC LATERAL SCLEROSIS 4, JUVENILE; NEURONOPATHY, DISTAL HEREDITARY MOTOR, WITH PYRAMIDAL FEATURES. Identifiers: Orphanet 357043, MedGen C1865409, MONDO:0011223, OMIM 602433.
SETX-related disorder. Also called: SETX-related condition; SETX-related disorders. Identifiers: MedGen CN239403.

Allele frequency attached by ClinVar (database versions not stated): ExAC 0.00002; gnomAD exomes 0.00002.
gnomAD v4.1: 30 of 1,614,142 alleles (0.0019%); highest among the groups gnomAD compares: Non-Finnish European, 0.0025%; no homozygotes.

Submissions (3):

PreventionGenetics, part of Exact Sciences
Classification: Uncertain significance for SETX-related condition. Last evaluated: 2025-06-16. Review status: criteria provided, single submitter. Criteria: ACMG Guidelines, 2015. Collection method: clinical testing. Allele origin: germline.
Comment: The SETX c.5158G>T variant is predicted to result in the amino acid substitution p.Gly1720Trp. To our knowledge, this variant has not been reported in the literature. This variant is reported in 0.0035% of alleles in individuals of European (non-Finnish) descent in gnomAD. At this time, the clinical significance of this variant is uncertain due to the absence of conclusive functional and genetic evidence.

Labcorp Genetics (formerly Invitae), Labcorp
Classification: Uncertain significance for Amyotrophic lateral sclerosis type 4; Spinocerebellar ataxia, autosomal recessive, with axonal neuropathy 2. Last evaluated: 2024-11-29. Review status: criteria provided, single submitter. Criteria: Invitae Variant Classification Sherloc (09022015). Collection method: clinical testing. Allele origin: germline.
Comment: This sequence change replaces glycine, which is neutral and non-polar, with tryptophan, which is neutral and slightly polar, at codon 1720 of the SETX protein (p.Gly1720Trp). This variant is present in population databases (rs768757368, gnomAD 0.004%). This variant has not been reported in the literature in individuals affected with SETX-related conditions. ClinVar contains an entry for this variant (Variation ID: 3052909). Invitae Evidence Modeling of protein sequence and biophysical properties (such as structural, functional, and spatial information, amino acid conservation, physicochemical variation, residue mobility, and thermodynamic stability) has been performed for this missense variant. However, the output from this modeling did not meet the statistical confidence thresholds required to predict the impact of this variant on SETX protein function. In summary, the available evidence is currently insufficient to determine the role of this variant in disease. Therefore, it has been classified as a Variant of Uncertain Significance.

Athena Diagnostics
Classification: Uncertain significance. Last evaluated: 2024-08-01. Review status: criteria provided, single submitter. Criteria: Athena Diagnostics Criteria. Collection method: clinical testing. Allele origin: unknown.
Comment: Available data are insufficient to determine the clinical significance of the variant at this time. The frequency of this variant in the general population is uninformative in assessment of its pathogenicity. Polyphen and MutationTaster predict this amino acid change may be damaging to the protein.

NM_015046.7(SETX):c.5158G>T (p.Gly1720Trp)

Gene: SETX (senataxin; minus strand). Cytogenetic location: 9q34.13.
Variant type: single nucleotide variant.
Coding change: c.5158G>T on transcript NM_015046.7 (MANE Select); coding-DNA position 5158, G replaced by T.
Protein change: p.Gly1720Trp; replaces glycine 1720 with tryptophan.
Molecular consequence: missense variant.
Genome position (GRCh38, 1-based): chr9:132,326,440, C>A on the plus strand (G>T on the coding strand, the complement: SETX is on the minus strand). VCF-style: chr9-132326440-C-A. GRCh37 (hg19) VCF-style: chr9-135201827-C-A.
Other names: c.5158G>T, p.Gly1720Trp (NM_001351527.2, NM_001351528.2); short protein forms G1720W.
Identifiers: ClinVar variation 3052909 (VCV003052909.6), dbSNP rs768757368, ClinGen allele CA5297065.